The following is an entry in ClinVar:

ClinVar aggregate classification (germline): Likely benign (1 of 4 stars; one submission).

gnomAD v4.1: 1 of 1,614,140 alleles (0.000062%); highest among the groups gnomAD compares: Non-Finnish European, 0.000085%; no homozygotes.

Submission:

CeGaT Center for Human Genetics Tuebingen
Classification: Likely benign. Last evaluated: 2023-02-01. Review status: criteria provided, single submitter. Criteria: CeGaT Center For Human Genetics Tuebingen Variant Classification Criteria Version 2. Collection method: clinical testing. Allele origin: germline. Affected: yes. Observed: 1 variant allele.
Comment: WDR59: PM2:Supporting, BP4, BP7

NM_030581.4(WDR59):c.1116C>T (p.Pro372=)

Gene: WDR59 (WD repeat domain 59; minus strand). Cytogenetic location: 16q23.1.
Variant type: single nucleotide variant.
Coding change: c.1116C>T on transcript NM_030581.4 (MANE Select); coding-DNA position 1116, C replaced by T.
Protein change: p.Pro372=; no amino-acid change (proline 372 retained).
Molecular consequence: synonymous variant.
Genome position (GRCh38, 1-based): chr16:74,915,978, G>A on the plus strand (C>T on the coding strand, the complement: WDR59 is on the minus strand). VCF-style: chr16-74915978-G-A. GRCh37 (hg19) VCF-style: chr16-74949876-G-A.
Other names: c.1116C>T, p.Pro372= (NM_001324171.2, NM_001324172.2).
Identifiers: ClinVar variation 2646866 (VCV002646866.24), dbSNP rs1384976643, ClinGen allele CA496548485.
Genomic context (GRCh38, chr16:74,915,978, plus strand): 5'-CTGCAAGGTCTGAGGCAGCCCCAGTTGATCTGATTTCCTCTCTTCCAGGAGATTTCTAGG[G>A]GGATCTTCTTTTAGGGCTAGCAGGAGAGAGAAGTTCAATGTTGGAAAGCATTTTTGAAAA-3'
Protein context (NP_085058.3, residues 362-382): HGEEEALKED[Pro372=]PRNLLEERKS